The following is an entry in ClinVar:

ClinVar aggregate classification (germline): Uncertain significance. Review status: criteria provided, multiple submitters, no conflicts (2 of 4 stars). 2 submissions from 2 submitters: Uncertain significance (2). Last evaluated 2025-08-26.

Conditions:
Inborn genetic diseases. Identifiers: MedGen C0950123, MeSH D030342.

gnomAD v4.1: 5 of 1,602,070 alleles (0.00031%); highest among the groups gnomAD compares: South Asian, 0.0056%; no homozygotes.

Submissions (2):

Ambry Genetics
Classification: Uncertain significance for Inborn genetic diseases. Last evaluated: 2025-08-26. Review status: criteria provided, single submitter. Criteria: Ambry Variant Classification Scheme 2023. Collection method: clinical testing. Allele origin: germline.

Labcorp Genetics (formerly Invitae), Labcorp
Classification: Uncertain significance. Last evaluated: 2024-05-16. Review status: criteria provided, single submitter. Criteria: Invitae Variant Classification Sherloc (09022015). Collection method: clinical testing. Allele origin: germline.
Comment: This sequence change replaces threonine, which is neutral and polar, with isoleucine, which is neutral and non-polar, at codon 1549 of the MYO7A protein (p.Thr1549Ile). This variant is not present in population databases (gnomAD no frequency). This variant has not been reported in the literature in individuals affected with MYO7A-related conditions. Advanced modeling of protein sequence and biophysical properties (such as structural, functional, and spatial information, amino acid conservation, physicochemical variation, residue mobility, and thermodynamic stability) performed at Invitae indicates that this missense variant is not expected to disrupt MYO7A protein function with a negative predictive value of 95%. In summary, the available evidence is currently insufficient to determine the role of this variant in disease. Therefore, it has been classified as a Variant of Uncertain Significance.

NM_000260.4(MYO7A):c.4646C>T (p.Thr1549Ile)

Gene: MYO7A (myosin VIIA; plus strand). Cytogenetic location: 11q13.5.
Variant type: single nucleotide variant.
Coding change: c.4646C>T on transcript NM_000260.4 (MANE Select); coding-DNA position 4646, C replaced by T.
Protein change: p.Thr1549Ile; replaces threonine 1549 with isoleucine.
Molecular consequence: missense variant. On other transcripts: intron variant (2).
Genome position (GRCh38, 1-based): chr11:77,199,612, C>T. VCF-style: chr11-77199612-C-T. GRCh37 (hg19) VCF-style: chr11-76910657-C-T.
Other names: c.4536-37C>T (NM_001369365.1); c.4569-37C>T (NM_001127180.2); c.4646C>T (NM_000260.3); short protein forms T1549I.
Identifiers: ClinVar variation 3628595 (VCV003628595.3).